The following is an entry in ClinVar:

NM_014865.4(NCAPD2):c.679C>T (p.Leu227Phe)

Gene: NCAPD2 (non-SMC condensin I complex subunit D2; plus strand). Cytogenetic location: 12p13.31.
Variant type: single nucleotide variant.
Coding change: c.679C>T on transcript NM_014865.4 (MANE Select); coding-DNA position 679, C replaced by T.
Protein change: p.Leu227Phe; replaces leucine 227 with phenylalanine.
Molecular consequence: missense variant.
Genome position (GRCh38, 1-based): chr12:6,514,356, C>T. VCF-style: chr12-6514356-C-T. GRCh37 (hg19) VCF-style: chr12-6623522-C-T.
Other names: short protein forms L227F.
Identifiers: ClinVar variation 3180890 (VCV003180890.3), dbSNP rs969476476, ClinGen allele CA232385713.

ClinVar aggregate classification (germline): Uncertain significance. Review status: criteria provided, multiple submitters, no conflicts (2 of 4 stars). 2 submissions from 2 submitters: Uncertain significance (2). Last evaluated 2024-01-29.

Conditions:
Microcephaly 21, primary, autosomal recessive. Identifiers: MedGen C4693831, MONDO:0054804, OMIM 617983.
Inborn genetic diseases. Identifiers: MedGen C0950123, MeSH D030342.

Submissions (2):

Ambry Genetics
Classification: Uncertain significance for Inborn genetic diseases. Last evaluated: 2024-01-29. Review status: criteria provided, single submitter. Criteria: Ambry Variant Classification Scheme 2023. Collection method: clinical testing. Allele origin: germline.

Juno Genomics, Hangzhou Juno Genomics, Inc
Classification: Uncertain significance for Microcephaly 21, primary, autosomal recessive. Review status: criteria provided, single submitter. Criteria: ACMG Guidelines, 2015. Collection method: clinical testing. Allele origin: germline.
Comment: Absent from controls (or at extremely low frequency if recessive) in Genome Aggregation Database.;Multiple lines of computational evidence support a deleterious effect on the gene or gene product.